The following is an entry in ClinVar:

NM_005222.4(DLX6):c.134CGC[7] (p.Pro52_Pro53del)

Genes: DLX6 (distal-less homeobox 6; plus strand), DLX6-AS1 (DLX6 antisense RNA 1; minus strand). Cytogenetic location: 7q21.3.
Variant type: Microsatellite.
Coding change: c.134CGC[7] on transcript NM_005222.4 (MANE Select); seven copies in a row of the 3-base unit CGC starting at c.134; the reference has nine copies in a row; two copies, 6 bases deleted.
Protein change: p.Pro52_Pro53del.
Molecular consequence: inframe deletion.
Genome position (GRCh38, 1-based): chr7:97,006,132-97,006,137, CGCCGC deleted; deleting any 6 consecutive bases within chr7:97,006,109-97,006,137 gives the same sequence; the position shown is the placement nearest the transcript's 3' end. VCF-style (leftmost placement, unchanged base first): chr7-97006108-AGCCGCC-A. GRCh37 (hg19) VCF-style: chr7-96635420-AGCCGCC-A.
Identifiers: ClinVar variation 1523838 (VCV001523838.6), dbSNP rs559903070, ClinGen allele CA4353720.

ClinVar aggregate classification (germline): Uncertain significance (1 of 4 stars; one submission).

Submission:

Labcorp Genetics (formerly Invitae), Labcorp
Classification: Uncertain significance. Last evaluated: 2026-01-05. Review status: criteria provided, single submitter. Criteria: Invitae Variant Classification Sherloc (09022015). Collection method: clinical testing. Allele origin: germline.
Comment: This variant, c.155_160del, results in the deletion of 2 amino acid(s) of the DLX6 protein (p.Pro52_Pro53del), but otherwise preserves the integrity of the reading frame. The frequency data for this variant in the population databases is considered unreliable, as metrics indicate poor data quality at this position in the gnomAD database. This variant has not been reported in the literature in individuals affected with DLX6-related conditions. Experimental studies and prediction algorithms are not available or were not evaluated, and the functional significance of this variant is currently unknown. In summary, the available evidence is currently insufficient to determine the role of this variant in disease. Therefore, it has been classified as a Variant of Uncertain Significance.